The following is an entry in ClinVar:

NC_000017.11:g.50196345_50196351delinsACCTCTCA

Genes: COL1A1 (collagen type I alpha 1 chain; minus strand), LOC126862586 (CDK7 strongly-dependent group 2 enhancer GRCh37_chr17:48273702-48274901; plus strand). Cytogenetic location: 17q21.33.
Variant type: Indel.
Genome position: GRCh38 VCF-style: chr17-50196345-TCACCAG-ACCTCTCA. GRCh37 (hg19) VCF-style: chr17-48273706-TCACCAG-ACCTCTCA.
Other names: c.920_926delinsTGAGAGGT, p.Pro307fs (LRG_1t1).
Identifiers: ClinVar variation 583231 (VCV000583231.6), dbSNP rs1567761649, ClinGen allele CA891843715.

ClinVar aggregate classification (germline): Pathogenic (1 of 4 stars; one submission).

Conditions:
Osteogenesis imperfecta type I (OI1). Also called: Osteogenesis imperfecta type 1; Classic Non-deforming Osteogenesis Imperfecta with Blue Sclerae; Lobstein's Disease; OI, TYPE I; OSTEOGENESIS IMPERFECTA TARDA; OSTEOGENESIS IMPERFECTA WITH BLUE SCLERAE. Identifiers: Orphanet 216796, Orphanet 666, MedGen C0023931, MONDO:0008146, OMIM 166200. Disease mechanism: loss of function.

Submission:

Labcorp Genetics (formerly Invitae), Labcorp
Classification: Pathogenic for Osteogenesis imperfecta type I. Last evaluated: 2018-03-28. Review status: criteria provided, single submitter. Criteria: Invitae Variant Classification Sherloc (09022015). Collection method: clinical testing. Allele origin: germline.
Comment: Loss-of-function variants in COL1A1 are known to be pathogenic (PMID: 7942841, 9295084, 9443882). For these reasons, this variant has been classified as Pathogenic. This variant has not been reported in the literature in individuals with COL1A1-related disease. This variant is not present in population databases (ExAC no frequency). This sequence change creates a premature translational stop signal (p.Pro307Leufs*19) in the COL1A1 gene. It is expected to result in an absent or disrupted protein product.

Literature cited by the submitters: PubMed 7942841; PubMed 9295084; PubMed 9443882.